The following is an entry in ClinVar:

NM_000548.5(TSC2):c.1068G>A (p.Val356=)

Gene: TSC2 (TSC complex subunit 2; plus strand). Cytogenetic location: 16p13.3.
Variant type: single nucleotide variant.
Coding change: c.1068G>A on transcript NM_000548.5 (MANE Select); coding-DNA position 1068, G replaced by A.
Protein change: p.Val356=; no amino-acid change (valine 356 retained).
Molecular consequence: synonymous variant.
Genome position (GRCh38, 1-based): chr16:2,060,762, G>A. VCF-style: chr16-2060762-G-A. GRCh37 (hg19) VCF-style: chr16-2110763-G-A.
Other names: c.1068G>A, p.Val356= (NM_001077183.3, NM_001114382.3, NM_001363528.2 and 3 more transcripts); c.957G>A, p.Val319= (NM_001318827.2); c.921G>A, p.Val307= (NM_001318829.2); c.468G>A, p.Val156= (NM_001318831.2); c.1101G>A, p.Val367= (NM_001318832.2); c.1068G>A (NM_000548.3).
Identifiers: ClinVar variation 1547887 (VCV001547887.11), dbSNP rs760584946, ClinGen allele CA028074.

ClinVar aggregate classification (germline): Conflicting classifications of pathogenicity. Review status: criteria provided, conflicting classifications (1 of 4 stars). 4 submissions from 4 submitters: Uncertain significance (1); Benign (1); Likely benign (2). Last evaluated 2025-06-13.

Conditions:
Tuberous sclerosis 2 (TSC2). Identifiers: Orphanet 805, MedGen C1860707, MONDO:0013199, OMIM 613254.
Hereditary cancer-predisposing syndrome. Also called: Neoplastic Syndromes, Hereditary; Tumor predisposition; Hereditary neoplastic syndrome; Hereditary Cancer Syndrome. Identifiers: Orphanet 140162, MedGen C0027672, MeSH D009386, MONDO:0015356.

Allele frequency attached by ClinVar (database versions not stated): gnomAD exomes below 0.00001; ExAC 0.00001; gnomAD 0.00001.
gnomAD v4.1: 2 of 1,613,888 alleles (0.00012%); highest among the groups gnomAD compares: Non-Finnish European, 0.000085%; no homozygotes.

Submissions (4):

Quest Diagnostics Nichols Institute San Juan Capistrano
Classification: Uncertain significance. Last evaluated: 2025-06-13. Review status: criteria provided, single submitter. Criteria: Quest Diagnostics criteria. Collection method: clinical testing. Allele origin: unknown.

Labcorp Genetics (formerly Invitae), Labcorp
Classification: Likely benign for Tuberous sclerosis 2. Last evaluated: 2025-06-04. Review status: criteria provided, single submitter. Criteria: Invitae Variant Classification Sherloc (09022015). Collection method: clinical testing. Allele origin: germline.

Myriad Genetics, Inc.
Classification: Benign for Tuberous sclerosis 2. Last evaluated: 2025-05-13. Review status: criteria provided, single submitter. Criteria: Myriad Autosomal Dominant, Autosomal Recessive and X-Linked Classification Criteria (2023). Collection method: clinical testing. Allele origin: unknown.
Comment: This variant is considered benign. This variant is a silent/synonymous amino acid change and it is not expected to impact splicing.

Ambry Genetics
Classification: Likely benign for Hereditary cancer-predisposing syndrome. Last evaluated: 2024-02-25. Review status: criteria provided, single submitter. Criteria: Ambry Variant Classification Scheme 2023. Collection method: clinical testing. Allele origin: germline.